The following is an entry in ClinVar:

ClinVar aggregate classification (germline): Uncertain significance (1 of 4 stars; one submission).

Submission:

Ambry Genetics
Classification: Uncertain significance. Last evaluated: 2025-01-14. Review status: criteria provided, single submitter. Criteria: Ambry Variant Classification Scheme 2023. Collection method: clinical testing. Allele origin: germline.
Comment: The p.L242F variant (also known as c.726G>C), located in coding exon 6 of the RAD51B gene, results from a G to C substitution at nucleotide position 726. The leucine at codon 242 is replaced by phenylalanine, an amino acid with highly similar properties. This amino acid position is highly conserved in available vertebrate species. In addition, this alteration is predicted to be deleterious by in silico analysis. The evidence for this gene-disease relationship is limited; therefore, the clinical significance of this alteration is unclear.

NM_133510.4(RAD51B):c.726G>C (p.Leu242Phe)

Gene: RAD51B (RAD51 paralog B; plus strand). Cytogenetic location: 14q24.1.
Variant type: single nucleotide variant.
Coding change: c.726G>C on transcript NM_133510.4 (MANE Select); coding-DNA position 726, G replaced by C.
Protein change: p.Leu242Phe; replaces leucine 242 with phenylalanine.
Molecular consequence: missense variant.
Genome position (GRCh38, 1-based): chr14:67,887,174, G>C. VCF-style: chr14-67887174-G-C. GRCh37 (hg19) VCF-style: chr14-68353891-G-C.
Other names: c.726G>C, p.Leu242Phe (NM_001321809.2, NM_001321810.2, NM_001321812.1 and 6 more transcripts); c.612G>C, p.Leu204Phe (NM_001321815.1); c.369G>C, p.Leu123Phe (NM_001321817.2); short protein forms L123F, L242F, L204F.
Identifiers: ClinVar variation 3786400 (VCV003786400.1).